The following is an entry in ClinVar:

ClinVar aggregate classification (germline): Uncertain significance (1 of 4 stars; one submission).

Conditions:
Hereditary spastic paraplegia 4. Also called: Spastic paraplegia 4, autosomal dominant; Spastic Paraplegia 4; Familial spastic paraplegia autosomal dominant 2. Identifiers: Orphanet 100985, MedGen C1866855, MONDO:0008438, OMIM 182601.

Submission:

Labcorp Genetics (formerly Invitae), Labcorp
Classification: Uncertain significance for Hereditary spastic paraplegia 4. Last evaluated: 2025-08-22. Review status: criteria provided, single submitter. Criteria: Invitae Variant Classification Sherloc (09022015). Collection method: clinical testing. Allele origin: germline.
Comment: This sequence change replaces alanine, which is neutral and non-polar, with proline, which is neutral and non-polar, at codon 375 of the SPAST protein (p.Ala375Pro). This variant is not present in population databases (gnomAD no frequency). This variant has not been reported in the literature in individuals affected with SPAST-related conditions. Invitae Evidence Modeling of protein sequence and biophysical properties (such as structural, functional, and spatial information, amino acid conservation, physicochemical variation, residue mobility, and thermodynamic stability) indicates that this missense variant is not expected to disrupt SPAST protein function with a negative predictive value of 80%. In summary, the available evidence is currently insufficient to determine the role of this variant in disease. Therefore, it has been classified as a Variant of Uncertain Significance.

NM_014946.4(SPAST):c.1123G>C (p.Ala375Pro)

Gene: SPAST (spastin; plus strand). Cytogenetic location: 2p22.3.
Variant type: single nucleotide variant.
Coding change: c.1123G>C on transcript NM_014946.4 (MANE Select); coding-DNA position 1123, G replaced by C.
Protein change: p.Ala375Pro; replaces alanine 375 with proline.
Molecular consequence: missense variant.
Genome position (GRCh38, 1-based): chr2:32,126,972, G>C. VCF-style: chr2-32126972-G-C. GRCh37 (hg19) VCF-style: chr2-32352041-G-C.
Other names: c.1027G>C, p.Ala343Pro (NM_199436.2, NM_001377959.1); c.1120G>C, p.Ala374Pro (NM_001363823.2); c.1024G>C, p.Ala342Pro (NM_001363875.2); short protein forms A343P, A374P, A342P, A375P.
Identifiers: ClinVar variation 4744104 (VCV004744104.1).